The following is an entry in ClinVar:

NM_001793.6(CDH3):c.895C>T (p.Gln299Ter)

Gene: CDH3 (cadherin 3; plus strand). Cytogenetic location: 16q22.1.
Variant type: single nucleotide variant.
Coding change: c.895C>T on transcript NM_001793.6 (MANE Select); coding-DNA position 895, C replaced by T.
Protein change: p.Gln299Ter; replaces glutamine 299 with a stop codon.
Molecular consequence: nonsense.
Genome position (GRCh38, 1-based): chr16:68,680,995, C>T. VCF-style: chr16-68680995-C-T. GRCh37 (hg19) VCF-style: chr16-68714898-C-T.
Other names: c.895C>T, p.Gln299Ter (NM_001317195.3); c.730C>T, p.Gln244Ter (NM_001317196.2); short protein forms Q299*, Q244*.
Identifiers: ClinVar variation 594037 (VCV000594037.6), dbSNP rs866290802, ClinGen allele CA283274008.

ClinVar aggregate classification (germline): Pathogenic. Review status: criteria provided, multiple submitters, no conflicts (2 of 4 stars). 2 submissions from 2 submitters: Pathogenic (2). Last evaluated 2024-10-04.

Conditions:
Hypotrichosis. Identifiers: MedGen C0020678, MONDO:0003037.

Submissions (2):

Dubai Health Genomic Medicine Center, Dubai Health
Classification: Pathogenic for Hypotrichosis. Last evaluated: 2024-10-04. Review status: criteria provided, single submitter. Criteria: ACMG Guidelines, 2015. Collection method: research. Allele origin: germline. Affected: yes.
Comment: PVS1(strong),PM2

Eurofins Ntd Llc (ga)
Classification: Pathogenic. Last evaluated: 2017-09-28. Review status: criteria provided, single submitter. Criteria: EGL Classification Definitions 2015. Collection method: clinical testing. Allele origin: germline. Observed: 1 variant allele, 1 heterozygote.